The following is an entry in ClinVar:

NM_002890.3(RASA1):c.2263del (p.Ile755fs)

Genes: CCNH (cyclin H; minus strand), RASA1 (RAS p21 protein activator 1; plus strand). Cytogenetic location: 5q14.3.
Variant type: Deletion.
Coding change: c.2263del on transcript NM_002890.3 (MANE Select); coding-DNA position 2263, one base deleted (A; older notation c.2263delA).
Protein change: p.Ile755fs; shifts the reading frame from isoleucine 755.
Molecular consequence: frameshift variant. On other transcripts: intron variant (1).
Genome position (GRCh38, 1-based): chr5:87,376,959, A deleted. VCF-style (leftmost placement, unchanged base first): chr5-87376958-CA-C. GRCh37 (hg19) VCF-style: chr5-86672775-CA-C.
Other names: c.1732del, p.Ile578fs (NM_022650.3); c.933+18085del (NM_001364075.2); short protein forms I578fs, I755fs.
Identifiers: ClinVar variation 4292738 (VCV004292738.1).
Genomic context (GRCh38, chr5:87,376,958, plus strand): 5'-ACTTCATGTAGTCTATGCTTTATCACATGTATGTGGACAAGACCGAACACTACTGGCCAG[CA>C]TCCTACTGAGGATTTTTCTTCACGAAAAGCTTGAATCGTTGTTGTTATGCACACTAAATG-3'

ClinVar aggregate classification (germline): Likely pathogenic (1 of 4 stars; one submission).

Conditions:
Capillary malformation-arteriovenous malformation 1 (CMAVM1). Identifiers: Orphanet 137667, Orphanet 693907, MedGen C4747394, MONDO:0020783, OMIM 608354.

Submission:

3billion
Classification: Likely pathogenic for Capillary malformation-arteriovenous malformation 1. Last evaluated: 2024-11-22. Review status: criteria provided, single submitter. Criteria: ACMG Guidelines, 2015. Collection method: clinical testing. Allele origin: germline. Affected: yes.
Comment: The variant is not observed in the gnomAD v4.1.0 dataset. Predicted Consequence/Location: Frameshift: predicted to result in a loss or disruption of normal protein function through nonsense-mediated decay (NMD) or protein truncation. Multiple pathogenic variants are reported downstream of the variant. Therefore, this variant is classified as Likely pathogenic according to the recommendation of ACMG/AMP guideline.